The following is an entry in ClinVar:

NM_207352.4(CYP4V2):c.1327C>T (p.Arg443Trp)

Gene: CYP4V2 (cytochrome P450 family 4 subfamily V member 2; plus strand). Cytogenetic location: 4q35.2.
Variant type: single nucleotide variant.
Coding change: c.1327C>T on transcript NM_207352.4 (MANE Select); coding-DNA position 1327, C replaced by T.
Protein change: p.Arg443Trp; replaces arginine 443 with tryptophan.
Molecular consequence: missense variant.
Genome position (GRCh38, 1-based): chr4:186,209,194, C>T. VCF-style: chr4-186209194-C-T. GRCh37 (hg19) VCF-style: chr4-187130348-C-T.
Other names: short protein forms R443W.
Identifiers: ClinVar variation 842985 (VCV000842985.11), dbSNP rs777774802, ClinGen allele CA3162829.

ClinVar aggregate classification (germline): Conflicting classifications of pathogenicity. Review status: criteria provided, conflicting classifications (1 of 4 stars). 4 submissions from 4 submitters: Pathogenic (1); Uncertain significance (3). Last evaluated 2025-09-02.

Conditions:
Bietti crystalline corneoretinal dystrophy (BCD). Also called: Bietti Crystalline Dystrophy; BIETTI TAPETORETINAL DEGENERATION WITH MARGINAL CORNEAL DYSTROPHY. Identifiers: Orphanet 41751, MedGen C1859486, MONDO:0008865, OMIM 210370.
Retinal dystrophy. Also called: Inherited retinal dystrophy. Identifiers: Orphanet 71862, MedGen C0854723, MeSH D058499, MONDO:0019118, HP:0000556.

Allele frequency attached by ClinVar (database versions not stated): gnomAD 0.00001 and 0.00003; ExAC 0.00002; gnomAD exomes 0.00003 and 0.00005; TOPMed 0.00006.
gnomAD v4.1: 75 of 1,613,972 alleles (0.0046%); highest among the groups gnomAD compares: Non-Finnish European, 0.0057%; no homozygotes.

Submissions (4):

Labcorp Genetics (formerly Invitae), Labcorp
Classification: Pathogenic. Last evaluated: 2025-09-02. Review status: criteria provided, single submitter. Criteria: Invitae Variant Classification Sherloc (09022015). Collection method: clinical testing. Allele origin: germline.
Comment: This sequence change replaces arginine, which is basic and polar, with tryptophan, which is neutral and slightly polar, at codon 443 of the CYP4V2 protein (p.Arg443Trp). This variant is present in population databases (rs777774802, gnomAD 0.006%). This missense change has been observed in individual(s) with Bietti crystalline corneoretinal dystrophy (PMID: 29691984, 37963713). In at least one individual the data is consistent with being in trans (on the opposite chromosome) from a pathogenic variant. ClinVar contains an entry for this variant (Variation ID: 842985). Invitae Evidence Modeling of protein sequence and biophysical properties (such as structural, functional, and spatial information, amino acid conservation, physicochemical variation, residue mobility, and thermodynamic stability) indicates that this missense variant is expected to disrupt CYP4V2 protein function with a positive predictive value of 80%. For these reasons, this variant has been classified as Pathogenic.

Blueprint Genetics
Classification: Uncertain significance. Last evaluated: 2024-10-30. Review status: criteria provided, single submitter. Criteria: ACMG Guidelines, 2015. Collection method: clinical testing. Allele origin: germline.

Dept Of Ophthalmology, Nagoya University
Classification: Uncertain significance for Retinal dystrophy. Last evaluated: 2023-10-01. Review status: criteria provided, single submitter. Criteria: Submitter's publication. Collection method: research. Allele origin: germline. Affected: yes.

Juno Genomics, Hangzhou Juno Genomics, Inc
Classification: Uncertain significance for Bietti crystalline corneoretinal dystrophy. Review status: criteria provided, single submitter. Criteria: ACMG Guidelines, 2015. Collection method: clinical testing. Allele origin: germline. Affected: yes.
Comment: Absent from controls (or at extremely low frequency if recessive) in Genome Aggregation Database, Exome Sequencing Project, 1000 Genomes Project, or Exome Aggregation Consortium.;Multiple lines of computational evidence support a deleterious effect on the gene or gene product (conservation, evolutionary, splicing impact, etc).;For recessive disorders, detected in trans with a pathogenic variant.;Patient's phenotype or family history is highly specific for a disease with a single genetic etiology.

Literature cited by the submitters: PubMed 29691984 (cited by Labcorp Genetics (formerly Invitae), Labcorp); PubMed 37963713 (cited by Labcorp Genetics (formerly Invitae), Labcorp).